The following is an entry in ClinVar:

NM_198075.4(LRRC56):c.832_833insTTCAA (p.Pro278fs)

Gene: LRRC56 (leucine rich repeat containing 56; plus strand). Cytogenetic location: 11p15.5.
Variant type: Insertion.
Coding change: c.832_833insTTCAA on transcript NM_198075.4 (MANE Select); coding-DNA positions 832 to 833, TTCAA inserted.
Protein change: p.Pro278fs; shifts the reading frame from proline 278.
Molecular consequence: frameshift variant.
Genome position: GRCh38 VCF-style: chr11-551686-C-CTTCAA. GRCh37 (hg19) VCF-style: chr11-551686-C-CTTCAA.
Other names: short protein forms P278fs.
Identifiers: ClinVar variation 2190210 (VCV002190210.1), dbSNP rs2539921362, ClinGen allele CA2580083852.
Genomic context (GRCh38, chr11:551,686, plus strand): 5'-ACCTCTGCTTCTGAACCTCGGGCAGACTGTCCCCGTGGAGCCCCCATCCGGAGACTTGAC[C>CTTCAA]CCGAGCTGTCCCTGCCTGAGACGCAGTCCCGGGCCTCCAGGCCCTGGCCCTTCTCCCTGC-3'

ClinVar aggregate classification (germline): Pathogenic (1 of 4 stars; one submission).

Submission:

Labcorp Genetics (formerly Invitae), Labcorp
Classification: Pathogenic. Last evaluated: 2022-06-29. Review status: criteria provided, single submitter. Criteria: Invitae Variant Classification Sherloc (09022015). Collection method: clinical testing. Allele origin: germline.
Comment: This sequence change creates a premature translational stop signal (p.Pro278Leufs*134) in the LRRC56 gene. It is expected to result in an absent or disrupted protein product. Loss-of-function variants in LRRC56 are known to be pathogenic (PMID: 30388400). This variant is not present in population databases (gnomAD no frequency). This variant has not been reported in the literature in individuals affected with LRRC56-related conditions. For these reasons, this variant has been classified as Pathogenic.

Literature cited by the submitters: PubMed 30388400.